The following is an entry in ClinVar:

NM_001440.4(EXTL3):c.2444A>T (p.Tyr815Phe)

Gene: EXTL3 (exostosin like glycosyltransferase 3; plus strand). Cytogenetic location: 8p21.1.
Variant type: single nucleotide variant.
Coding change: c.2444A>T on transcript NM_001440.4 (MANE Select); coding-DNA position 2444, A replaced by T.
Protein change: p.Tyr815Phe; replaces tyrosine 815 with phenylalanine.
Molecular consequence: missense variant. On other transcripts: non-coding transcript variant (1).
Genome position (GRCh38, 1-based): chr8:28,743,108, A>T. VCF-style: chr8-28743108-A-T. GRCh37 (hg19) VCF-style: chr8-28600625-A-T.
Other names: short protein forms Y815F.
Identifiers: ClinVar variation 1501043 (VCV001501043.5), dbSNP rs983136504, ClinGen allele CA174358673.

ClinVar aggregate classification (germline): Uncertain significance (1 of 4 stars; one submission).

Allele frequency attached by ClinVar (database versions not stated): gnomAD 0.00001; TOPMed 0.00001.
gnomAD v4.1: 2 of 1,614,024 alleles (0.00012%); highest among the groups gnomAD compares: African/African-American, 0.0013%; no homozygotes.

Submission:

Labcorp Genetics (formerly Invitae), Labcorp
Classification: Uncertain significance. Last evaluated: 2023-08-04. Review status: criteria provided, single submitter. Criteria: Invitae Variant Classification Sherloc (09022015). Collection method: clinical testing. Allele origin: germline.
Comment: Advanced modeling of protein sequence and biophysical properties (such as structural, functional, and spatial information, amino acid conservation, physicochemical variation, residue mobility, and thermodynamic stability) performed at Invitae indicates that this missense variant is not expected to disrupt EXTL3 protein function. ClinVar contains an entry for this variant (Variation ID: 1501043). This variant has not been reported in the literature in individuals affected with EXTL3-related conditions. This variant is present in population databases (no rsID available, gnomAD 0.01%). This sequence change replaces tyrosine, which is neutral and polar, with phenylalanine, which is neutral and non-polar, at codon 815 of the EXTL3 protein (p.Tyr815Phe). Algorithms developed to predict the effect of sequence changes on RNA splicing suggest that this variant may create or strengthen a splice site. In summary, the available evidence is currently insufficient to determine the role of this variant in disease. Therefore, it has been classified as a Variant of Uncertain Significance.